The following is an entry in ClinVar:

ClinVar aggregate classification (germline): Uncertain significance. Review status: criteria provided, multiple submitters, no conflicts (2 of 4 stars). 2 submissions from 2 submitters: Uncertain significance (2). Last evaluated 2023-06-16.

Allele frequency attached by ClinVar (database versions not stated): TOPMed 0.00002; gnomAD 0.00003; ExAC 0.00011; 1000 Genomes Project 30x 0.00016; 1000 Genomes Project 0.00020.
gnomAD v4.1: 76 of 1,549,412 alleles (0.0049%); highest among the groups gnomAD compares: South Asian, 0.011%; 1 homozygote.

Submissions (2):

Labcorp Genetics (formerly Invitae), Labcorp
Classification: Uncertain significance. Last evaluated: 2023-06-16. Review status: criteria provided, single submitter. Criteria: Invitae Variant Classification Sherloc (09022015). Collection method: clinical testing. Allele origin: germline.
Comment: This missense change has been observed in individual(s) with clinical features of TMEM240-related conditions (PMID: 25070513). In summary, the available evidence is currently insufficient to determine the role of this variant in disease. Therefore, it has been classified as a Variant of Uncertain Significance. Experimental studies have shown that this missense change does not substantially affect TMEM240 function (PMID: 30184469). An algorithm developed to predict the effect of missense changes on protein structure and function (PolyPhen-2) suggests that this variant is likely to be tolerated. ClinVar contains an entry for this variant (Variation ID: 1705200). This variant is present in population databases (rs546291208, gnomAD 0.01%). This sequence change replaces glutamic acid, which is acidic and polar, with lysine, which is basic and polar, at codon 149 of the TMEM240 protein (p.Glu149Lys).

Women's Health and Genetics/Laboratory Corporation of America, LabCorp
Classification: Uncertain significance. Last evaluated: 2022-08-25. Review status: criteria provided, single submitter. Criteria: LabCorp Variant Classification Summary - May 2015. Collection method: clinical testing. Allele origin: germline.
Comment: Variant summary: TMEM240 c.445G>A (p.Glu149Lys) results in a conservative amino acid change in the encoded protein sequence. Three of five in-silico tools predict a benign effect of the variant on protein function. The variant allele was found at a frequency of 2e-05 in 147648 control chromosomes (gnomAD). The available data on variant occurrences in the general population are insufficient to allow any conclusion about variant significance. c.445G>A has been reported as a heterozygous genotype in the literature in at least one individual affected with Spinocerebellar Ataxia Type 21 (Delplanque_2014). This report does not provide unequivocal conclusions about association of the variant with the disorder. At least one publication reports experimental evidence evaluating the variant protein and found that it exhibits a similar pattern of cellular localization as wild-type TMEM240 (e.g. Seki_2018); however, this does not allow any strong conclusions to be made about its effect on protein function. No clinical diagnostic laboratories have submitted clinical-significance assessments for this variant to ClinVar after 2014. Based on the evidence outlined above, the variant was classified as uncertain significance.

Literature cited by the submitters: PubMed 25070513 (cited by Labcorp Genetics (formerly Invitae), Labcorp and Women's Health and Genetics/Laboratory Corporation of America, LabCorp); PubMed 30184469 (cited by Labcorp Genetics (formerly Invitae), Labcorp and Women's Health and Genetics/Laboratory Corporation of America, LabCorp).

NM_001114748.2(TMEM240):c.445G>A (p.Glu149Lys)

Gene: TMEM240 (transmembrane protein 240; minus strand). Cytogenetic location: 1p36.33.
Variant type: single nucleotide variant.
Coding change: c.445G>A on transcript NM_001114748.2 (MANE Select); coding-DNA position 445, G replaced by A.
Protein change: p.Glu149Lys; replaces glutamic acid 149 with lysine.
Molecular consequence: missense variant.
Genome position (GRCh38, 1-based): chr1:1,535,436, C>T on the plus strand (G>A on the coding strand, the complement: TMEM240 is on the minus strand). VCF-style: chr1-1535436-C-T. GRCh37 (hg19) VCF-style: chr1-1470816-C-T.
Other names: short protein forms E149K.
Identifiers: ClinVar variation 1705200 (VCV001705200.4), dbSNP rs546291208, ClinGen allele CA526636.